The following is an entry in ClinVar:

NM_000264.5(PTCH1):c.623A>G (p.Glu208Gly)

Gene: PTCH1 (patched 1; minus strand). Cytogenetic location: 9q22.32.
Variant type: single nucleotide variant.
Coding change: c.623A>G on transcript NM_000264.5 (MANE Select); coding-DNA position 623, A replaced by G.
Protein change: p.Glu208Gly; replaces glutamic acid 208 with glycine.
Molecular consequence: missense variant. On other transcripts: non-coding transcript variant (1).
Genome position (GRCh38, 1-based): chr9:95,482,165, T>C on the plus strand (A>G on the coding strand, the complement: PTCH1 is on the minus strand). VCF-style: chr9-95482165-T-C. GRCh37 (hg19) VCF-style: chr9-98244447-T-C.
Other names: c.425A>G, p.Glu142Gly (NM_001083602.3, NM_001354919.2); c.620A>G, p.Glu207Gly (NM_001083603.3); c.170A>G, p.Glu57Gly (NM_001083604.3, NM_001083605.3, NM_001083606.3 and 1 more transcripts); c.623A>G, p.Glu208Gly (NM_001354918.2); short protein forms E142G, E57G, E207G, E208G.
Identifiers: ClinVar variation 2497340 (VCV002497340.3), dbSNP rs2118473498, ClinGen allele CA374115077.

ClinVar aggregate classification (germline): Uncertain significance (1 of 4 stars; one submission).

Conditions:
Hereditary cancer-predisposing syndrome. Also called: Hereditary Cancer Syndrome; Hereditary neoplastic syndrome; Neoplastic Syndromes, Hereditary; Tumor predisposition. Identifiers: Orphanet 140162, MedGen C0027672, MeSH D009386, MONDO:0015356.

Submission:

Ambry Genetics
Classification: Uncertain significance for Hereditary cancer-predisposing syndrome. Last evaluated: 2026-09-03. Review status: criteria provided, single submitter. Criteria: Ambry Variant Classification Scheme 2023. Collection method: clinical testing. Allele origin: germline.
Comment: The p.E208G variant (also known as c.623A>G), located in coding exon 4 of the PTCH1 gene, results from an A to G substitution at nucleotide position 623. The glutamic acid at codon 208 is replaced by glycine, an amino acid with similar properties. This amino acid position is highly conserved in available vertebrate species. In addition, this alteration is predicted to be deleterious by in silico analysis. Based on the available evidence, the clinical significance of this variant remains unclear.